The following is an entry in ClinVar:

ClinVar aggregate classification (germline): Conflicting classifications of pathogenicity. Review status: criteria provided, conflicting classifications (1 of 4 stars). 2 submissions from 2 submitters: Uncertain significance (1); Likely benign (1). Last evaluated 2026-07-06.

Conditions:
Hereditary cancer-predisposing syndrome. Also called: Tumor predisposition; Hereditary neoplastic syndrome; Neoplastic Syndromes, Hereditary; Hereditary Cancer Syndrome. Identifiers: Orphanet 140162, MedGen C0027672, MeSH D009386, MONDO:0015356.
Mitochondrial complex II deficiency, nuclear type 1. Also called: SUCCINATE CoQ REDUCTASE DEFICIENCY. Identifiers: Orphanet 3208, MedGen C5700310, MONDO:0100294, OMIM 252011.
Pheochromocytoma/paraganglioma syndrome 5. Also called: Paragangliomas 5; SDHA-Related Hereditary Paraganglioma-Pheochromocytoma Syndrome. Identifiers: Orphanet 29072, MedGen C3279992, MONDO:0013602, OMIM 614165.

Submissions (2):

Ambry Genetics
Classification: Likely benign for Hereditary cancer-predisposing syndrome. Last evaluated: 2026-07-06. Review status: criteria provided, single submitter. Criteria: Ambry Variant Classification Scheme 2023. Collection method: clinical testing. Allele origin: germline.

Labcorp Genetics (formerly Invitae), Labcorp
Classification: Uncertain significance for Pheochromocytoma/paraganglioma syndrome 5; Mitochondrial complex II deficiency, nuclear type 1. Last evaluated: 2024-05-06. Review status: criteria provided, single submitter. Criteria: Invitae Variant Classification Sherloc (09022015). Collection method: clinical testing. Allele origin: germline.
Comment: This sequence change replaces serine, which is neutral and polar, with arginine, which is basic and polar, at codon 12 of the SDHA protein (p.Ser12Arg). This variant is not present in population databases (gnomAD no frequency). This variant has not been reported in the literature in individuals affected with SDHA-related conditions. ClinVar contains an entry for this variant (Variation ID: 835917). Advanced modeling of protein sequence and biophysical properties (such as structural, functional, and spatial information, amino acid conservation, physicochemical variation, residue mobility, and thermodynamic stability) performed at Invitae indicates that this missense variant is not expected to disrupt SDHA protein function with a negative predictive value of 95%. In summary, the available evidence is currently insufficient to determine the role of this variant in disease. Therefore, it has been classified as a Variant of Uncertain Significance.

NM_004168.4(SDHA):c.36C>A (p.Ser12Arg)

Gene: SDHA (succinate dehydrogenase complex flavoprotein subunit A; plus strand). Cytogenetic location: 5p15.33.
Variant type: single nucleotide variant.
Coding change: c.36C>A on transcript NM_004168.4 (MANE Select); coding-DNA position 36, C replaced by A.
Protein change: p.Ser12Arg; replaces serine 12 with arginine.
Molecular consequence: missense variant.
Genome position (GRCh38, 1-based): chr5:218,391, C>A. VCF-style: chr5-218391-C-A. GRCh37 (hg19) VCF-style: chr5-218506-C-A.
Other names: c.36C>A, p.Ser12Arg (NM_001294332.2, NM_001330758.2); c.36C>A (NM_004168.2); short protein forms S12R.
Identifiers: ClinVar variation 835917 (VCV000835917.11), dbSNP rs1734502045, ClinGen allele CA359007346.